The following is an entry in ClinVar:

ClinVar aggregate classification (germline): Uncertain significance (1 of 4 stars; one submission).

Conditions:
Cardiomyopathy (CMYO). Also called: Cardiomyopathies. Identifiers: Orphanet 167848, MedGen C0878544, MONDO:0004994, HP:0001638. Inheritance: Various modes of inheritance.

Submission:

Color Diagnostics, LLC DBA Color Health
Classification: Uncertain significance for Cardiomyopathy. Last evaluated: 2025-06-30. Review status: criteria provided, single submitter. Criteria: ACMG Guidelines, 2015. Collection method: clinical testing. Allele origin: germline.
Comment: This missense variant replaces phenylalanine with leucine at codon 921 of the RYR2 protein. Computational prediction suggests that this variant may have deleterious impact on protein structure and function. To our knowledge, functional studies have not been reported for this variant. This variant has not been reported in individuals affected with RYR2-related disorders in the literature. This variant has not been identified in the general population by the Genome Aggregation Database (gnomAD). The available evidence is insufficient to determine the role of this variant in disease conclusively. Therefore, this variant is classified as a Variant of Uncertain Significance.

NM_001035.3(RYR2):c.2763C>G (p.Phe921Leu)

Gene: RYR2 (ryanodine receptor 2; plus strand). Cytogenetic location: 1q43.
Variant type: single nucleotide variant.
Coding change: c.2763C>G on transcript NM_001035.3 (MANE Select); coding-DNA position 2763, C replaced by G.
Protein change: p.Phe921Leu; replaces phenylalanine 921 with leucine.
Molecular consequence: missense variant.
Genome position (GRCh38, 1-based): chr1:237,511,732, C>G. VCF-style: chr1-237511732-C-G. GRCh37 (hg19) VCF-style: chr1-237675032-C-G.
Other names: short protein forms F921L.
Identifiers: ClinVar variation 4757568 (VCV004757568.1).